The following is an entry in ClinVar:

ClinVar aggregate classification (germline): Uncertain significance. Review status: criteria provided, multiple submitters, no conflicts (2 of 4 stars). 3 submissions from 3 submitters: Uncertain significance (2). 1 of the submissions does not count toward it. Last evaluated 2024-03-13.

Conditions:
Usher syndrome type 1B (USH1B). Also called: Usher syndrome type IB. Identifiers: MedGen C1848638, MONDO:0700087.

Allele frequency attached by ClinVar (database versions not stated): TOPMed 0.00001; ExAC 0.00002; gnomAD exomes 0.00002.
gnomAD v4.1: 5 of 1,603,600 alleles (0.00031%); highest among the groups gnomAD compares: Admixed American, 0.0085%; no homozygotes.

Submissions (3):

GeneDx
Classification: Uncertain significance. Last evaluated: 2024-03-13. Review status: criteria provided, single submitter. Criteria: GeneDx Variant Classification Process June 2021. Collection method: clinical testing. Allele origin: germline. Affected: yes.
Comment: In silico analysis supports that this missense variant has a deleterious effect on protein structure/function; Has not been previously published as pathogenic or benign to our knowledge

Blueprint Genetics
Classification: Uncertain significance. Last evaluated: 2018-08-14. Review status: criteria provided, single submitter. Criteria: ACMG Guidelines, 2015. Collection method: clinical testing. Allele origin: germline.

Natera, Inc.
Classification: Uncertain significance for Usher syndrome type 1B. Last evaluated: 2019-11-11. Review status: no assertion criteria provided. Collection method: clinical testing. Allele origin: germline. Not counted in ClinVar's aggregate classification.

NM_000260.4(MYO7A):c.5536C>G (p.Pro1846Ala)

Gene: MYO7A (myosin VIIA; plus strand). Cytogenetic location: 11q13.5.
Variant type: single nucleotide variant.
Coding change: c.5536C>G on transcript NM_000260.4 (MANE Select); coding-DNA position 5536, C replaced by G.
Protein change: p.Pro1846Ala; replaces proline 1846 with alanine.
Molecular consequence: missense variant.
Genome position (GRCh38, 1-based): chr11:77,205,517, C>G. VCF-style: chr11-77205517-C-G. GRCh37 (hg19) VCF-style: chr11-76916562-C-G.
Other names: c.5422C>G, p.Pro1808Ala (NM_001127180.2); c.5389C>G, p.Pro1797Ala (NM_001369365.1); short protein forms P1846A, P1797A, P1808A.
Identifiers: ClinVar variation 426504 (VCV000426504.5), dbSNP rs763456971, ClinGen allele CA6198737.